The following is an entry in ClinVar:

NM_003632.3(CNTNAP1):c.1312C>T (p.Arg438Ter)

Gene: CNTNAP1 (contactin associated protein 1; plus strand). Cytogenetic location: 17q21.2.
Variant type: single nucleotide variant.
Coding change: c.1312C>T on transcript NM_003632.3 (MANE Select); coding-DNA position 1312, C replaced by T.
Protein change: p.Arg438Ter; replaces arginine 438 with a stop codon.
Molecular consequence: nonsense.
Genome position (GRCh38, 1-based): chr17:42,688,467, C>T. VCF-style: chr17-42688467-C-T. GRCh37 (hg19) VCF-style: chr17-40840485-C-T.
Other names: short protein forms R438*.
Identifiers: ClinVar variation 3895870 (VCV003895870.1).
Genomic context (GRCh38, chr17:42,688,467, plus strand): 5'-CTTCTACCCTAGTTGCTGCTTCCCTCCACCCACACCATCATCCATTCTTGTCCAGGGTAC[C>T]GACTGAATGACGGCTTTTGGCACGAGGTGAATTTTGTGGCACAGGAAAACCATGCAGTTA-3'

ClinVar aggregate classification (germline): Pathogenic (1 of 4 stars; one submission).

Conditions:
Neuropathy, congenital hypomyelinating, 3. Identifiers: MedGen C4748608, MONDO:0020766, OMIM 618186.

gnomAD v4.1: 5 of 1,614,084 alleles (0.00031%); highest among the groups gnomAD compares: African/African-American, 0.0053%; no homozygotes.

Submission:

Women's Health and Genetics/Laboratory Corporation of America, LabCorp
Classification: Pathogenic for Neuropathy, congenital hypomyelinating, 3. Last evaluated: 2025-03-03. Review status: criteria provided, single submitter. Criteria: LabCorp Variant Classification Summary - May 2015. Collection method: clinical testing. Allele origin: germline.
Comment: Variant summary: CNTNAP1 c.1312C>T (p.Arg438X) results in a premature termination codon, predicted to cause a truncation of the encoded protein or absence of the protein due to nonsense mediated decay, which are commonly known mechanisms for disease. The variant allele was found at a frequency of 4e-06 in 251478 control chromosomes. To our knowledge, no occurrence of c.1312C>T in individuals affected with Neuropathy, congenital hypomyelinating, 3 and no experimental evidence demonstrating its impact on protein function have been reported. No submitters have cited clinical-significance assessments for this variant to ClinVar. Based on the evidence outlined above, the variant was classified as pathogenic.